The following is an entry in ClinVar:

ClinVar aggregate classification (germline): Pathogenic (1 of 4 stars; one submission).

Conditions:
Leigh syndrome (NULS). Also called: Leigh Disease; Subacute necrotizing encephalopathy; Necrotizing encephalopathy infantile subacute of Leigh; Leigh's syndrome; LEIGH SYNDROME, NUCLEAR; Leigh's necrotizing encephalopathy. Identifiers: Orphanet 506, MedGen C2931891, MONDO:0009723, OMIM 256000.

Allele frequency attached by ClinVar (database versions not stated): gnomAD exomes below 0.00001.

Submission:

Labcorp Genetics (formerly Invitae), Labcorp
Classification: Pathogenic for Leigh syndrome. Last evaluated: 2023-05-25. Review status: criteria provided, single submitter. Criteria: Invitae Variant Classification Sherloc (09022015). Collection method: clinical testing. Allele origin: germline.
Comment: This variant disrupts a region of the SURF1 protein in which other variant(s) (p.Leu90Pro) have been determined to be pathogenic (PMID: 19780766, 22488715, 29933018, 32445240). This suggests that this is a clinically significant region of the protein, and that variants that disrupt it are likely to be disease-causing. This sequence change affects the initiator methionine of the SURF1 mRNA. The next in-frame methionine is located at codon 110. This variant is not present in population databases (gnomAD no frequency). This variant has not been reported in the literature in individuals affected with SURF1-related conditions. For these reasons, this variant has been classified as Pathogenic.

Literature cited by the submitters: PubMed 19780766; PubMed 22488715; PubMed 29933018; PubMed 32445240.

NM_003172.4(SURF1):c.3G>A (p.Met1Ile)

Gene: SURF1 (SURF1 cytochrome c oxidase assembly factor; minus strand). Cytogenetic location: 9q34.2.
Variant type: single nucleotide variant.
Coding change: c.3G>A on transcript NM_003172.4 (MANE Select); coding-DNA position 3, G replaced by A.
Protein change: p.Met1Ile; changes the start codon (methionine 1).
Molecular consequence: missense variant, initiator codon variant. On other transcripts: 5 prime UTR variant (1).
Genome position (GRCh38, 1-based): chr9:133,356,451, C>T on the plus strand (G>A on the coding strand, the complement: SURF1 is on the minus strand). VCF-style: chr9-133356451-C-T. GRCh37 (hg19) VCF-style: chr9-136223327-C-T.
Other names: c.-273G>A (NM_001280787.1); short protein forms M1I.
Identifiers: ClinVar variation 2717838 (VCV002717838.3), dbSNP rs1442463591, ClinGen allele CA375695219.
Genomic context (GRCh38, chr9:133,356,451, plus strand): 5'-GGCGCTCACCCGTCCCAGCCCCGCCGCCCGCAGCCCCAGCTGCAACGCAGCCACCGCCGC[C>T]ATCGCACCCGGCCCCGCGGGCGCTTCCGGGACGCAGGAAGCATCTGCATCCGGGGCGCCG-3'
Protein context (NP_003163.1, residues 1-11): [Met1Ile]AAVAALQLGL